The following is an entry in ClinVar:

ClinVar aggregate classification (germline): Uncertain significance (1 of 4 stars; one submission).

Conditions:
Hereditary cancer-predisposing syndrome. Also called: Hereditary Cancer Syndrome; Tumor predisposition; Hereditary neoplastic syndrome; Neoplastic Syndromes, Hereditary. Identifiers: Orphanet 140162, MedGen C0027672, MeSH D009386, MONDO:0015356.

Submission:

Ambry Genetics
Classification: Uncertain significance for Hereditary cancer-predisposing syndrome. Last evaluated: 2024-08-07. Review status: criteria provided, single submitter. Criteria: Ambry Variant Classification Scheme 2023. Collection method: clinical testing. Allele origin: germline.
Comment: The p.F365S variant (also known as c.1094T>C), located in coding exon 1 of the MET gene, results from a T to C substitution at nucleotide position 1094. The phenylalanine at codon 365 is replaced by serine, an amino acid with highly dissimilar properties. This amino acid position is conserved. In addition, the in silico prediction for this alteration is inconclusive. Based on the available evidence, the clinical significance of this variant remains unclear.

NM_000245.4(MET):c.1094T>C (p.Phe365Ser)

Gene: MET (MET proto-oncogene, receptor tyrosine kinase; plus strand). Cytogenetic location: 7q31.2.
Variant type: single nucleotide variant.
Coding change: c.1094T>C on transcript NM_000245.4 (MANE Select); coding-DNA position 1094, T replaced by C.
Protein change: p.Phe365Ser; replaces phenylalanine 365 with serine.
Molecular consequence: missense variant. On other transcripts: intron variant (1).
Genome position (GRCh38, 1-based): chr7:116,700,178, T>C. VCF-style: chr7-116700178-T-C. GRCh37 (hg19) VCF-style: chr7-116340232-T-C.
Other names: c.1094T>C, p.Phe365Ser (NM_001127500.3, NM_001324401.3); c.-91+27601T>C (NM_001324402.2); short protein forms F365S.
Identifiers: ClinVar variation 3395126 (VCV003395126.1).